The following is an entry in ClinVar:

ClinVar aggregate classification (germline): Pathogenic (1 of 4 stars; one submission).

Conditions:
Hereditary spastic paraplegia 6 (SPG6). Also called: SPASTIC PARAPLEGIA 6, AUTOSOMAL DOMINANT. Identifiers: Orphanet 100988, MedGen C1838192, MONDO:0010878, OMIM 600363.

Submission:

Department of Neurology, Shanghai Sixth People’s Hospital Affiliated to Shanghai Jiao Tong University School of Medicine
Classification: Pathogenic for Hereditary spastic paraplegia 6. Last evaluated: 2023-12-28. Review status: criteria provided, single submitter. Criteria: ACMG Guidelines, 2015. Collection method: clinical testing. Allele origin: maternal, paternal. Affected: yes. Observed: 2 variant alleles, 2 heterozygotes. Clinical features observed: Gait disturbance (HP:0002355), Hypertonia (HP:0001276), Limb muscle weakness (HP:0003690), Hyperreflexia (HP:0001347), Ankle clonus (HP:0011448), Babinski sign (HP:0003487), Decreased nerve conduction velocity (HP:0000762).
Comment: P (PS1+PS3+PS4+PM1+PP1+PP3) PS1: A different nucleotide change at the same codon (c.316G>C) results in the same amino acid substitution (p.Gly106Arg), which has been previously established as pathogenic. PS3: Functional studies demonstrate that this variant destabilizes the third transmembrane domain of NIPA1 and significantly reduces NIPA1 protein expression, impairing its function. PS4: The variant is the most prevalent NIPA1 variant, reported in 19 of 33 SPG6 families (57.58%), and was identified in multiple unrelated affected families in our cohort. It was absent in 300 healthy controls. PM1: The variant is located in a mutational hotspot and affects a critical transmembrane domain of NIPA1. PP1: Co-segregation with disease was observed in affected family members across multiple generations, although incomplete penetrance was noted in one carrier. PP3: Multiple computational algorithms predict a deleterious effect on NIPA1.

NM_144599.5(NIPA1):c.*1436G>A

Gene: NIPA1 (NIPA magnesium transporter 1; plus strand). Cytogenetic location: 15q11.2.
Variant type: single nucleotide variant.
Coding change: c.*1436G>A on transcript NM_144599.5 (MANE Select); 1436 bases downstream of the stop codon, G replaced by A.
Molecular consequence: 3 prime UTR variant.
Genome position (GRCh38, 1-based): chr15:22,825,675, G>A. VCF-style: chr15-22825675-G-A. GRCh37 (hg19) VCF-style: chr15-23047393-C-T.
Other names: c.*1436G>A (NM_001142275.1).
Identifiers: ClinVar variation 5042742 (VCV005042742.1).